The following is an entry in ClinVar:

NM_001077350.3(NPRL3):c.1111C>T (p.Pro371Ser)

Genes: HBA-LCR (alpha-globin locus control region; plus strand), NPRL3 (NPR3 like, GATOR1 complex subunit; minus strand). Cytogenetic location: 16p13.3.
Variant type: single nucleotide variant.
Coding change: c.1111C>T on transcript NM_001077350.3 (MANE Select); coding-DNA position 1111, C replaced by T.
Protein change: p.Pro371Ser; replaces proline 371 with serine.
Molecular consequence: missense variant.
Genome position (GRCh38, 1-based): chr16:92,646, G>A on the plus strand (C>T on the coding strand, the complement: NPRL3 is on the minus strand). VCF-style: chr16-92646-G-A. GRCh37 (hg19) VCF-style: chr16-142644-G-A.
Other names: c.574C>T, p.Pro192Ser (NM_001039476.3); c.877C>T, p.Pro293Ser (NM_001243247.2); c.1036C>T, p.Pro346Ser (NM_001243248.2, NM_001243249.2); short protein forms P192S, P293S, P346S, P371S.
Identifiers: ClinVar variation 4530806 (VCV004530806.1).

ClinVar aggregate classification (germline): Uncertain significance (1 of 4 stars; one submission).

Submission:

GeneDx
Classification: Uncertain significance. Last evaluated: 2025-05-19. Review status: criteria provided, single submitter. Criteria: GeneDx Variant Classification Process June 2021. Collection method: clinical testing. Allele origin: germline. Affected: yes.
Comment: Not observed at significant frequency in large population cohorts (gnomAD); In silico analysis supports that this missense variant has a deleterious effect on protein structure/function; Has not been previously published as pathogenic or benign to our knowledge